The following is an entry in ClinVar:

ClinVar aggregate classification (germline): Uncertain significance. Review status: criteria provided, multiple submitters, no conflicts (2 of 4 stars). 2 submissions from 2 submitters: Uncertain significance (2). Last evaluated 2025-08-09.

Conditions:
Inborn genetic diseases. Identifiers: MedGen C0950123, MeSH D030342.
Charcot-Marie-Tooth disease axonal type 2O. Also called: CHARCOT-MARIE-TOOTH NEUROPATHY, AXONAL, TYPE 2O; CHARCOT-MARIE-TOOTH DISEASE, AXONAL, AUTOSOMAL DOMINANT, TYPE 2O; Charcot-Marie-Tooth Neuropathy Type 2O; Charcot-Marie-Tooth disease, axonal, type 20. Identifiers: Orphanet 284232, MedGen C3280220, MONDO:0013644, OMIM 614228.

gnomAD v4.1: 1 of 1,613,780 alleles (0.000062%); highest among the groups gnomAD compares: African/African-American, 0.0013%; no homozygotes.

Submissions (2):

Labcorp Genetics (formerly Invitae), Labcorp
Classification: Uncertain significance for Charcot-Marie-Tooth disease axonal type 2O. Last evaluated: 2025-08-09. Review status: criteria provided, single submitter. Criteria: Invitae Variant Classification Sherloc (09022015). Collection method: clinical testing. Allele origin: germline.
Comment: This sequence change replaces threonine, which is neutral and polar, with lysine, which is basic and polar, at codon 4226 of the DYNC1H1 protein (p.Thr4226Lys). This variant is not present in population databases (gnomAD no frequency). This variant has not been reported in the literature in individuals affected with DYNC1H1-related conditions. ClinVar contains an entry for this variant (Variation ID: 1764373). Invitae Evidence Modeling of protein sequence and biophysical properties (such as structural, functional, and spatial information, amino acid conservation, physicochemical variation, residue mobility, and thermodynamic stability) indicates that this missense variant is not expected to disrupt DYNC1H1 protein function with a negative predictive value of 95%. In summary, the available evidence is currently insufficient to determine the role of this variant in disease. Therefore, it has been classified as a Variant of Uncertain Significance.

Ambry Genetics
Classification: Uncertain significance for Inborn genetic diseases. Last evaluated: 2020-12-17. Review status: criteria provided, single submitter. Criteria: Ambry Variant Classification Scheme 2023. Collection method: clinical testing. Allele origin: germline.
Comment: The p.T4226K variant (also known as c.12677C>A), located in coding exon 70 of the DYNC1H1 gene, results from a C to A substitution at nucleotide position 12677. The threonine at codon 4226 is replaced by lysine, an amino acid with similar properties. This amino acid position is highly conserved in available vertebrate species. In addition, the in silico prediction for this alteration is inconclusive. Since supporting evidence is limited at this time, the clinical significance of this alteration remains unclear.

NM_001376.5(DYNC1H1):c.12677C>A (p.Thr4226Lys)

Gene: DYNC1H1 (dynein cytoplasmic 1 heavy chain 1; plus strand). Cytogenetic location: 14q32.31.
Variant type: single nucleotide variant.
Coding change: c.12677C>A on transcript NM_001376.5 (MANE Select); coding-DNA position 12677, C replaced by A.
Protein change: p.Thr4226Lys; replaces threonine 4226 with lysine.
Molecular consequence: missense variant.
Genome position (GRCh38, 1-based): chr14:102,044,038, C>A. VCF-style: chr14-102044038-C-A. GRCh37 (hg19) VCF-style: chr14-102510375-C-A.
Other names: short protein forms T4226K.
Identifiers: ClinVar variation 1764373 (VCV001764373.3), dbSNP rs776972173, ClinGen allele CA391042685.